The following is an entry in ClinVar:

ClinVar aggregate classification (germline): Likely benign (1 of 4 stars; one submission).

Submission:

CeGaT Center for Human Genetics Tuebingen
Classification: Likely benign. Last evaluated: 2026-02-01. Review status: criteria provided, single submitter. Criteria: CeGaT Center For Human Genetics Tuebingen Variant Classification Criteria Version 2. Collection method: clinical testing. Allele origin: germline. Affected: yes. Observed: 1 variant allele.
Comment: DMRT3: BS2

NM_021240.4(DMRT3):c.1052C>T (p.Pro351Leu)

Gene: DMRT3 (doublesex and mab-3 related transcription factor 3; plus strand). Cytogenetic location: 9p24.3.
Variant type: single nucleotide variant.
Coding change: c.1052C>T on transcript NM_021240.4 (MANE Select); coding-DNA position 1052, C replaced by T.
Protein change: p.Pro351Leu; replaces proline 351 with leucine.
Molecular consequence: missense variant.
Genome position (GRCh38, 1-based): chr9:990,638, C>T. VCF-style: chr9-990638-C-T. GRCh37 (hg19) VCF-style: chr9-990638-C-T.
Other names: short protein forms P351L.
Identifiers: ClinVar variation 4820761 (VCV004820761.4).